The following is an entry in ClinVar:

ClinVar aggregate classification (germline): Uncertain significance. Review status: criteria provided, multiple submitters, no conflicts (2 of 4 stars). 4 submissions from 4 submitters: Uncertain significance (4). Last evaluated 2025-06-08.

Conditions:
Hereditary cancer-predisposing syndrome. Also called: Neoplastic Syndromes, Hereditary; Hereditary Cancer Syndrome; Tumor predisposition; Hereditary neoplastic syndrome. Identifiers: Orphanet 140162, MedGen C0027672, MeSH D009386, MONDO:0015356.
Familial cancer of breast. Also called: hereditary breast carcinoma; BREAST CANCER, FAMILIAL; Hereditary breast cancer. Identifiers: Orphanet 227535, MedGen C0346153, MONDO:0016419, OMIM 114480. Disease mechanism: loss of function.
Fanconi anemia complementation group N. Also called: PALB2-Related Fanconi Anemia. Identifiers: Orphanet 84, MedGen C1835817, MONDO:0012565, OMIM 610832. Disease mechanism: loss of function.

Allele frequency attached by ClinVar (database versions not stated): gnomAD exomes below 0.00001; ExAC 0.00001.
gnomAD v4.1: 1 of 1,613,652 alleles (0.000062%); highest among the groups gnomAD compares: South Asian, 0.0011%; no homozygotes.

Submissions (4):

Labcorp Genetics (formerly Invitae), Labcorp
Classification: Uncertain significance for Familial cancer of breast. Last evaluated: 2025-06-08. Review status: criteria provided, single submitter. Criteria: Invitae Variant Classification Sherloc (09022015). Collection method: clinical testing. Allele origin: germline.
Comment: This sequence change replaces phenylalanine, which is neutral and non-polar, with leucine, which is neutral and non-polar, at codon 107 of the PALB2 protein (p.Phe107Leu). This variant is present in population databases (rs781049663, gnomAD 0.003%). This variant has not been reported in the literature in individuals affected with PALB2-related conditions. ClinVar contains an entry for this variant (Variation ID: 582054). An algorithm developed to predict the effect of missense changes on protein structure and function outputs the following: PolyPhen-2: "Benign". The leucine amino acid residue is found in multiple mammalian species, which suggests that this missense change does not adversely affect protein function. In summary, the available evidence is currently insufficient to determine the role of this variant in disease. Therefore, it has been classified as a Variant of Uncertain Significance.

Ambry Genetics
Classification: Uncertain significance for Hereditary cancer-predisposing syndrome. Last evaluated: 2025-01-24. Review status: criteria provided, single submitter. Criteria: Ambry Variant Classification Scheme 2023. Collection method: clinical testing. Allele origin: germline.
Comment: The p.F107L variant (also known as c.321T>G), located in coding exon 4 of the PALB2 gene, results from a T to G substitution at nucleotide position 321. The phenylalanine at codon 107 is replaced by leucine, an amino acid with highly similar properties. This amino acid position is not well conserved in available vertebrate species. In addition, this alteration is predicted to be tolerated by in silico analysis. Since supporting evidence is limited at this time, the clinical significance of this alteration remains unclear.

Color Diagnostics, LLC DBA Color Health
Classification: Uncertain significance for Hereditary cancer-predisposing syndrome. Last evaluated: 2023-12-04. Review status: criteria provided, single submitter. Criteria: ACMG Guidelines, 2015. Collection method: clinical testing. Allele origin: germline.
Comment: This missense variant replaces phenylalanine with leucine at codon 107 of the PALB2 protein. Computational prediction suggests that this variant may not impact protein structure and function (internally defined REVEL score threshold <= 0.5, PMID: 27666373). To our knowledge, functional studies have not been reported for this variant. This variant has not been reported in individuals affected with PALB2-related disorders in the literature. This variant has been identified in 1/250952 chromosomes in the general population by the Genome Aggregation Database (gnomAD). The available evidence is insufficient to determine the role of this variant in disease conclusively. Therefore, this variant is classified as a Variant of Uncertain Significance.

Baylor Genetics
Classification: Uncertain significance for Fanconi anemia complementation group N. Last evaluated: 2021-12-21. Review status: criteria provided, single submitter. Criteria: ACMG Guidelines, 2015. Collection method: clinical testing. Allele origin: maternal. Affected: yes. Study: CSER-TexasKidsCanSeq.
Comment: This variant was determined to be of uncertain significance according to ACMG Guidelines, 2015 [PMID:25741868].

NM_024675.4(PALB2):c.321T>G (p.Phe107Leu)

Gene: PALB2 (partner and localizer of BRCA2; minus strand). Cytogenetic location: 16p12.2.
Variant type: single nucleotide variant.
Coding change: c.321T>G on transcript NM_024675.4 (MANE Select); coding-DNA position 321, T replaced by G.
Protein change: p.Phe107Leu; replaces phenylalanine 107 with leucine.
Molecular consequence: missense variant.
Genome position (GRCh38, 1-based): chr16:23,636,225, A>C on the plus strand (T>G on the coding strand, the complement: PALB2 is on the minus strand). VCF-style: chr16-23636225-A-C. GRCh37 (hg19) VCF-style: chr16-23647546-A-C.
Other names: short protein forms F107L.
Identifiers: ClinVar variation 582054 (VCV000582054.19), dbSNP rs781049663, ClinGen allele CA7963799.